The following is an entry in ClinVar:

NM_000380.4(XPA):c.717dup (p.Ile240fs)

Gene: XPA (XPA, DNA damage recognition and repair factor; minus strand). Cytogenetic location: 9q22.33.
Variant type: Duplication.
Coding change: c.717dup on transcript NM_000380.4 (MANE Select); coding-DNA position 717, one base duplicated (G; older notation c.717dupG).
Protein change: p.Ile240fs; shifts the reading frame from isoleucine 240.
Molecular consequence: frameshift variant. On other transcripts: non-coding transcript variant (5).
Genome position (GRCh38, 1-based): chr9:97,675,544, C duplicated on the plus strand (G on the coding strand, the reverse complement: XPA is on the minus strand). VCF-style (leftmost placement, unchanged base first): chr9-97675543-T-TC. GRCh37 (hg19) VCF-style: chr9-100437825-T-TC.
Other names: c.591dup, p.Ile198fs (NM_001354975.2); short protein forms I240fs, I198fs.
Identifiers: ClinVar variation 1355854 (VCV001355854.7), dbSNP rs746824252, ClinGen allele CA5148695.

ClinVar aggregate classification (germline): Pathogenic/Likely pathogenic. Review status: criteria provided, multiple submitters, no conflicts (2 of 4 stars). 2 submissions from 2 submitters: Pathogenic (1); Likely pathogenic (1). Last evaluated 2024-04-03.

Conditions:
Xeroderma pigmentosum group A (XPA). Also called: XPA-Related Xeroderma Pigmentosum; Xeroderma pigmentosum, complementation group A; XP, group A. Identifiers: Orphanet 910, MedGen C0268135, MONDO:0010210, OMIM 278700.

Allele frequency attached by ClinVar (database versions not stated): gnomAD exomes below 0.00001; ExAC 0.00001; gnomAD 0.00001.

Submissions (2):

Fulgent Genetics
Classification: Likely pathogenic for Xeroderma pigmentosum group A. Last evaluated: 2024-04-03. Review status: criteria provided, single submitter. Criteria: ACMG Guidelines, 2015. Collection method: clinical testing. Allele origin: germline.

Labcorp Genetics (formerly Invitae), Labcorp
Classification: Pathogenic. Last evaluated: 2023-07-08. Review status: criteria provided, single submitter. Criteria: Invitae Variant Classification Sherloc (09022015). Collection method: clinical testing. Allele origin: germline.
Comment: This variant is present in population databases (rs746824252, gnomAD 0.0009%). This sequence change creates a premature translational stop signal (p.Ile240Aspfs*6) in the XPA gene. While this is not anticipated to result in nonsense mediated decay, it is expected to disrupt the last 34 amino acid(s) of the XPA protein. This variant has not been reported in the literature in individuals affected with XPA-related conditions. ClinVar contains an entry for this variant (Variation ID: 1355854). This variant disrupts a region of the XPA protein in which other variant(s) (p.Arg258Tyrfs*5) have been determined to be pathogenic (PMID: 31478152). This suggests that this is a clinically significant region of the protein, and that variants that disrupt it are likely to be disease-causing. For these reasons, this variant has been classified as Pathogenic.

Literature cited by the submitters: PubMed 31478152 (cited by Labcorp Genetics (formerly Invitae), Labcorp).